The following is an entry in ClinVar:

NM_000535.7(PMS2):c.1286C>A (p.Thr429Lys)

Gene: PMS2 (PMS1 homolog 2, mismatch repair system component; minus strand). Cytogenetic location: 7p22.1.
Variant type: single nucleotide variant.
Coding change: c.1286C>A on transcript NM_000535.7 (MANE Select); coding-DNA position 1286, C replaced by A.
Protein change: p.Thr429Lys; replaces threonine 429 with lysine.
Molecular consequence: missense variant. On other transcripts: non-coding transcript variant (1).
Genome position (GRCh38, 1-based): chr7:5,987,479, G>T on the plus strand (C>A on the coding strand, the complement: PMS2 is on the minus strand). VCF-style: chr7-5987479-G-T. GRCh37 (hg19) VCF-style: chr7-6027110-G-T.
Other names: c.881C>A, p.Thr294Lys (NM_001018040.1, NM_001322003.2, NM_001322004.2 and 17 more transcripts); c.1130C>A, p.Thr377Lys (NM_001322006.2, NM_001406870.1); c.968C>A, p.Thr323Lys (NM_001322007.2, NM_001322008.2, NM_001406883.1 and 2 more transcripts); c.725C>A, p.Thr242Lys (NM_001322010.2, NM_001406906.1, NM_001406907.1); c.353C>A, p.Thr118Lys (NM_001322011.2, NM_001322012.2); c.713C>A, p.Thr238Lys (NM_001322013.2, NM_001406909.1); c.1286C>A, p.Thr429Lys (NM_001322014.2, NM_001406871.1, NM_001406872.1); c.977C>A, p.Thr326Lys (NM_001322015.2, NM_001406877.1, NM_001406878.1 and 5 more transcripts); and 12 more; short protein forms T118K, T172K, T242K, T271K, T326K, T373K, T393K, T429K.
Identifiers: ClinVar variation 2103726 (VCV002103726.4), dbSNP rs1554297938, ClinGen allele CA366742413.

ClinVar aggregate classification (germline): Uncertain significance (1 of 4 stars; one submission).

Conditions:
Hereditary nonpolyposis colorectal neoplasms. Identifiers: MedGen C0009405, MeSH D003123.

Submission:

Labcorp Genetics (formerly Invitae), Labcorp
Classification: Uncertain significance for Hereditary nonpolyposis colorectal neoplasms. Last evaluated: 2024-04-29. Review status: criteria provided, single submitter. Criteria: Invitae Variant Classification Sherloc (09022015). Collection method: clinical testing. Allele origin: germline.
Comment: This sequence change replaces threonine, which is neutral and polar, with lysine, which is basic and polar, at codon 429 of the PMS2 protein (p.Thr429Lys). This variant is not present in population databases (gnomAD no frequency). This variant has not been reported in the literature in individuals affected with PMS2-related conditions. ClinVar contains an entry for this variant (Variation ID: 2103726). Advanced modeling of protein sequence and biophysical properties (such as structural, functional, and spatial information, amino acid conservation, physicochemical variation, residue mobility, and thermodynamic stability) performed at Invitae indicates that this missense variant is not expected to disrupt PMS2 protein function with a negative predictive value of 80%. In summary, the available evidence is currently insufficient to determine the role of this variant in disease. Therefore, it has been classified as a Variant of Uncertain Significance.